The following is an entry in ClinVar:

NM_001298.3(CNGA3):c.1658T>A (p.Leu553Gln)

Gene: CNGA3 (cyclic nucleotide gated channel subunit alpha 3; plus strand). Cytogenetic location: 2q11.2.
Variant type: single nucleotide variant.
Coding change: c.1658T>A on transcript NM_001298.3 (MANE Select); coding-DNA position 1658, T replaced by A.
Protein change: p.Leu553Gln; replaces leucine 553 with glutamine.
Molecular consequence: missense variant.
Genome position (GRCh38, 1-based): chr2:98,396,828, T>A. VCF-style: chr2-98396828-T-A. GRCh37 (hg19) VCF-style: chr2-99013291-T-A.
Other names: c.1604T>A, p.Leu535Gln (NM_001079878.2); short protein forms L535Q, L553Q.
Identifiers: ClinVar variation 1064472 (VCV001064472.9), dbSNP rs745779023, ClinGen allele CA1794059.

ClinVar aggregate classification (germline): Uncertain significance. Review status: criteria provided, single submitter (1 of 4 stars). 2 submissions from 2 submitters: Uncertain significance (1). 1 of the submissions does not count toward it. Last evaluated 2024-10-25.

Conditions:
Achromatopsia 2 (ACHM2). Also called: COLORBLINDNESS, TOTAL; ROD MONOCHROMACY 2; ROD MONOCHROMATISM 2. Identifiers: Orphanet 49382, MedGen C1857618, MONDO:0009003, OMIM 216900.

Allele frequency attached by ClinVar (database versions not stated): gnomAD exomes below 0.00001; ExAC 0.00001; gnomAD 0.00002; TOPMed 0.00002.

Submissions (2):

Labcorp Genetics (formerly Invitae), Labcorp
Classification: Uncertain significance. Last evaluated: 2024-10-25. Review status: criteria provided, single submitter. Criteria: Invitae Variant Classification Sherloc (09022015). Collection method: clinical testing. Allele origin: germline.
Comment: This sequence change replaces leucine, which is neutral and non-polar, with glutamine, which is neutral and polar, at codon 553 of the CNGA3 protein (p.Leu553Gln). This variant is present in population databases (rs745779023, gnomAD 0.007%). This missense change has been observed in individual(s) with achromatopsia (PMID: 35332618). ClinVar contains an entry for this variant (Variation ID: 1064472). Invitae Evidence Modeling of protein sequence and biophysical properties (such as structural, functional, and spatial information, amino acid conservation, physicochemical variation, residue mobility, and thermodynamic stability) indicates that this missense variant is expected to disrupt CNGA3 protein function with a positive predictive value of 95%. In summary, the available evidence is currently insufficient to determine the role of this variant in disease. Therefore, it has been classified as a Variant of Uncertain Significance.

Molecular Genetics Laboratory, Institute for Ophthalmic Research
Classification: Likely pathogenic for Achromatopsia 2. Last evaluated: 2021-04-15. Review status: no assertion criteria provided. Collection method: research. Allele origin: germline. Affected: yes. Not counted in ClinVar's aggregate classification.

Literature cited by the submitters: PubMed 35332618 (cited by Labcorp Genetics (formerly Invitae), Labcorp).